The following is an entry in ClinVar:

NM_024577.4(SH3TC2):c.2322C>T (p.Asp774=)

Gene: SH3TC2 (SH3 domain and tetratricopeptide repeats 2; minus strand). Cytogenetic location: 5q32.
Variant type: single nucleotide variant.
Coding change: c.2322C>T on transcript NM_024577.4 (MANE Select); coding-DNA position 2322, C replaced by T.
Protein change: p.Asp774=; no amino-acid change (aspartic acid 774 retained).
Molecular consequence: synonymous variant.
Genome position (GRCh38, 1-based): chr5:149,027,410, G>A on the plus strand (C>T on the coding strand, the complement: SH3TC2 is on the minus strand). VCF-style: chr5-149027410-G-A. GRCh37 (hg19) VCF-style: chr5-148406973-G-A.
Other names: p.Asp774=.
Identifiers: ClinVar variation 241503 (VCV000241503.29), dbSNP rs17795193, ClinGen allele CA3499023.

ClinVar aggregate classification (germline): Benign. Review status: criteria provided, multiple submitters, no conflicts (2 of 4 stars). 9 submissions from 8 submitters: Benign (8). 1 of the submissions does not count toward it. Last evaluated 2026-02-02.

Conditions:
SH3TC2-related disorder. Also called: SH3TC2-related condition; SH3TC2-related disorders. Identifiers: MedGen CN239303.
Charcot-Marie-Tooth disease. Also called: Charcot-Marie-Tooth Hereditary Neuropathy; Charcot-Marie-Tooth Neuropathy. Identifiers: Orphanet 166, MedGen C0007959, MONDO:0015626.
Charcot-Marie-Tooth disease type 4. Also called: Charcot-Marie-Tooth disease, type IV; Charcot-Marie-Tooth, Type 4. Identifiers: Orphanet 64749, MedGen C4082197, MONDO:0018995.
Charcot-Marie-Tooth disease type 4C (CMT4C). Also called: Charcot-Marie-Tooth Neuropathy Type 4C (CMT4C); CHARCOT-MARIE-TOOTH DISEASE, DEMYELINATING, TYPE 4C; SH3TC2-Related Hereditary Motor and Sensory Neuropathy; CHARCOT-MARIE-TOOTH DISEASE, DEMYELINATING, AUTOSOMAL RECESSIVE, TYPE 4C; CMT 4C. Identifiers: Orphanet 99949, MedGen C1866636, MONDO:0011113, OMIM 601596.
Susceptibility to mononeuropathy of the median nerve, mild. Also called: CARPAL TUNNEL SYNDROME, SUSCEPTIBILITY TO. Identifiers: MedGen C3150596, MONDO:0013237, OMIM 613353.

Allele frequency attached by ClinVar (database versions not stated): ESP Exome Variant Server 0.00008; gnomAD 0.00125 and 0.00201; TOPMed 0.00224; ExAC 0.00415; gnomAD exomes 0.00449; 1000 Genomes Project 30x 0.01343; 1000 Genomes Project 0.01458.
gnomAD v4.1: 2,471 of 1,614,114 alleles (0.15%); highest among the groups gnomAD compares: East Asian, 4.1%; 55 homozygotes.

Submissions (9):

Labcorp Genetics (formerly Invitae), Labcorp
Classification: Benign for Charcot-Marie-Tooth disease type 4. Last evaluated: 2026-02-02. Review status: criteria provided, single submitter. Criteria: Invitae Variant Classification Sherloc (09022015). Collection method: clinical testing. Allele origin: germline.

Athena Diagnostics
Classification: Benign. Last evaluated: 2025-10-03. Review status: criteria provided, single submitter. Criteria: Athena Diagnostics Criteria. Collection method: clinical testing. Allele origin: unknown.
Comment: The frequency of this variant in the general population is higher than would generally be expected for pathogenic variants in this gene.

ARUP Laboratories, Molecular Genetics and Genomics, ARUP Laboratories
Classification: Benign. Last evaluated: 2024-04-19. Review status: criteria provided, single submitter. Criteria: ARUP Molecular Germline Variant Investigation Process 2024. Collection method: clinical testing. Allele origin: germline.

Illumina Laboratory Services, Illumina
Classification: Benign for Susceptibility to mononeuropathy of the median nerve, mild. Last evaluated: 2018-01-13. Review status: criteria provided, single submitter. Criteria: ICSL Variant Classification Criteria 13 December 2019. Collection method: clinical testing. Allele origin: germline.
Comment: This variant was observed in the ICSL laboratory as part of a predisposition screen in an ostensibly healthy population. It had not been previously curated by ICSL or reported in the Human Gene Mutation Database (HGMD: prior to June 1st, 2018), and was therefore a candidate for classification through an automated scoring system. Utilizing variant allele frequency, disease prevalence and penetrance estimates, and inheritance mode, an automated score was calculated to assess if this variant is too frequent to cause the disease. Based on the score and internal cut-off values, a variant classified as benign is not then subjected to further curation. The score for this variant resulted in a classification of benign for this disease.

Illumina Laboratory Services, Illumina
Classification: Benign for Charcot-Marie-Tooth disease type 4C. Last evaluated: 2018-01-13. Review status: criteria provided, single submitter. Criteria: ICSL Variant Classification Criteria 13 December 2019. Collection method: clinical testing. Allele origin: germline.
Comment: the same text as in the submission from Illumina Laboratory Services, Illumina above.

Mayo Clinic Laboratories, Mayo Clinic
Classification: Benign. Last evaluated: 2017-12-14. Review status: criteria provided, single submitter. Criteria: ACMG Guidelines, 2015. Collection method: clinical testing. Allele origin: germline. Observed: 2 variant alleles.

GeneDx
Classification: Benign. Last evaluated: 2016-02-16. Review status: criteria provided, single submitter. Criteria: GeneDx Variant Classification (06012015). Collection method: clinical testing. Allele origin: germline. Affected: yes.
Comment: This variant is considered likely benign or benign based on one or more of the following criteria: it is a conservative change, it occurs at a poorly conserved position in the protein, it is predicted to be benign by multiple in silico algorithms, and/or has population frequency not consistent with disease.

Molecular Genetics Laboratory, London Health Sciences Centre
Classification: Benign for Charcot-Marie-Tooth disease. Review status: criteria provided, single submitter. Criteria: ACMG Guidelines, 2015. Collection method: clinical testing. Allele origin: germline. Affected: yes.

PreventionGenetics, part of Exact Sciences
Classification: Benign for SH3TC2-related condition. Last evaluated: 2020-02-24. Review status: no assertion criteria provided. Collection method: clinical testing. Allele origin: germline. Not counted in ClinVar's aggregate classification.
Comment: This variant is classified as benign based on ACMG/AMP sequence variant interpretation guidelines (Richards et al. 2015 PMID: 25741868, with internal and published modifications).